The following is an entry in ClinVar:

ClinVar aggregate classification (germline): Benign/Likely benign. Review status: criteria provided, multiple submitters, no conflicts (2 of 4 stars). 4 submissions from 4 submitters: Benign (3); Likely benign (1). Last evaluated 2026-02-02.

Conditions:
Brugada syndrome 3 (BRGDA3). Identifiers: Orphanet 130, MedGen C2678478, MONDO:0012742, OMIM 611875.
Long QT syndrome 8. Identifiers: MedGen CN260585, MONDO:0032756, OMIM 618447.
Timothy syndrome (TS). Also called: LONG QT SYNDROME WITH SYNDACTYLY. Identifiers: Orphanet 65283, MedGen C1832916, MeSH C536962, MONDO:0010979, OMIM 601005.
Long QT syndrome (LQTS). Identifiers: MedGen C0023976, MeSH D008133, MONDO:0002442. Disease mechanism: loss of function. Inheritance: Various modes of inheritance.

Allele frequency attached by ClinVar (database versions not stated): gnomAD exomes 0.00026; ExAC 0.00029; ESP Exome Variant Server 0.00047; TOPMed 0.00064; gnomAD 0.00085 and 0.00092; 1000 Genomes Project 30x 0.00125; 1000 Genomes Project 0.00140.
gnomAD v4.1: 206 of 1,579,518 alleles (0.013%); highest among the groups gnomAD compares: African/African-American, 0.27%; no homozygotes.

Submissions (4):

Labcorp Genetics (formerly Invitae), Labcorp
Classification: Benign for Long QT syndrome. Last evaluated: 2026-02-02. Review status: criteria provided, single submitter. Criteria: Invitae Variant Classification Sherloc (09022015). Collection method: clinical testing. Allele origin: germline.

Blueprint Genetics
Classification: Likely benign. Last evaluated: 2023-03-27. Review status: criteria provided, single submitter. Criteria: ACMG Guidelines, 2015. Collection method: clinical testing. Allele origin: germline.

Fulgent Genetics
Classification: Benign for Timothy syndrome; Brugada syndrome 3; Long QT syndrome 8. Last evaluated: 2022-02-17. Review status: criteria provided, single submitter. Criteria: ACMG Guidelines, 2015. Collection method: clinical testing. Allele origin: unknown.

GeneDx
Classification: Benign. Last evaluated: 2014-01-16. Review status: criteria provided, single submitter. Criteria: GeneDx Variant Classification (06012015). Collection method: clinical testing. Allele origin: germline. Affected: yes.
Comment: This variant is considered likely benign or benign based on one or more of the following criteria: it is a conservative change, it occurs at a poorly conserved position in the protein, it is predicted to be benign by multiple in silico algorithms, and/or has population frequency not consistent with disease.

NM_000719.7(CACNA1C):c.4074+14A>G

Gene: CACNA1C (calcium voltage-gated channel subunit alpha1 C; plus strand). Cytogenetic location: 12p13.33.
Variant type: single nucleotide variant.
Coding change: c.4074+14A>G on transcript NM_000719.7 (MANE Select); 14 bases into the intron after coding-DNA position 4074, A replaced by G.
Molecular consequence: intron variant.
Genome position (GRCh38, 1-based): chr12:2,651,782, A>G. VCF-style: chr12-2651782-A-G. GRCh37 (hg19) VCF-style: chr12-2760948-A-G.
Other names: c.4074+14A>G (NM_001167624.3, NM_001167623.2, NM_001129840.2 and 7 more transcripts); c.4041+14A>G (NM_001167625.2, NM_001129837.2, NM_001129838.2 and 1 more transcripts); c.4218+14A>G (NM_199460.4, NM_001129827.2); c.4134+14A>G (NM_001129832.2); c.4158+14A>G (NM_001129831.2); c.4140+14A>G (NM_001129829.2); c.4035+14A>G (NM_001129839.2); c.4125+14A>G (NM_001129836.2); and 1 more.
Identifiers: ClinVar variation 136624 (VCV000136624.11), dbSNP rs371806132, ClinGen allele CA289857.